The following is an entry in ClinVar:

NM_000321.3(RB1):c.1050-1G>A

Gene: RB1 (RB transcriptional corepressor 1; plus strand). Cytogenetic location: 13q14.2.
Variant type: single nucleotide variant.
Coding change: c.1050-1G>A on transcript NM_000321.3 (MANE Select); the canonical splice acceptor site of the intron before coding-DNA position 1050, G replaced by A.
Molecular consequence: splice acceptor variant.
Genome position (GRCh38, 1-based): chr13:48,368,526, G>A. VCF-style: chr13-48368526-G-A. GRCh37 (hg19) VCF-style: chr13-48942662-G-A.
Other names: c.1050-1G>A (NM_001407165.1, NM_001407166.1).
Identifiers: ClinVar variation 3236946 (VCV003236946.1), dbSNP rs2542189694.

ClinVar aggregate classification (germline): Pathogenic (1 of 4 stars; one submission).

Conditions:
Retinoblastoma (RB1). Also called: RETINOBLASTOMA, SOMATIC. Identifiers: Orphanet 790, MedGen C0035335, MeSH D012175, MONDO:0008380, OMIM 180200, HP:0009919. Disease mechanism: loss of function. Inheritance: Both sporadic and heritable forms are tested..

Submission:

Genetic Diagnostic Laboratory, University of Pennsylvania School of Medicine
Classification: Pathogenic for Retinoblastoma. Last evaluated: 2024-05-20. Review status: criteria provided, single submitter. Criteria: ACMG Guidelines, 2015. Collection method: clinical testing. Allele origin: germline. Affected: yes. Observed: 2 variant alleles.
Comment: Case and Pedigree Information: BILATERAL CASES:2, UNILATERAL CASES:0, TOTAL CASES:2, PEDIGREES:2. ACMG Codes Applied:PVS1, PM2